The following is an entry in ClinVar:

ClinVar aggregate classification (germline): Uncertain significance (1 of 4 stars; one submission).

Conditions:
Mendelian susceptibility to mycobacterial diseases due to partial STAT1 deficiency. Also called: IMMUNODEFICIENCY 31A, MYCOBACTERIOSIS, AUTOSOMAL DOMINANT; STAT1 DEFICIENCY, AUTOSOMAL DOMINANT; Immunodeficiency 31a. Identifiers: Orphanet 319595, MedGen C4013950, MONDO:0013956, OMIM 614892.
Immunodeficiency 31B. Also called: STAT1 DEFICIENCY, AUTOSOMAL RECESSIVE; IMMUNODEFICIENCY 31B, MYCOBACTERIAL AND VIRAL INFECTIONS, AUTOSOMAL RECESSIVE. Identifiers: Orphanet 391311, MedGen C3151088, MONDO:0013427, OMIM 613796.
Autoimmune enteropathy and endocrinopathy - susceptibility to chronic infections syndrome. Also called: Immunodeficiency 31C, autosomal dominant; Immunodeficiency 31C. Identifiers: Orphanet 391487, MedGen C3279990, MONDO:0013599, OMIM 614162.

Submission:

Labcorp Genetics (formerly Invitae), Labcorp
Classification: Uncertain significance for Mendelian susceptibility to mycobacterial diseases due to partial STAT1 deficiency; Immunodeficiency 31B; Autoimmune enteropathy and endocrinopathy - susceptibility to chronic infections syndrome. Last evaluated: 2025-01-02. Review status: criteria provided, single submitter. Criteria: Invitae Variant Classification Sherloc (09022015). Collection method: clinical testing. Allele origin: germline.
Comment: This sequence change affects codon 381 of the STAT1 mRNA. It is a 'silent' change, meaning that it does not change the encoded amino acid sequence of the STAT1 protein. This variant is not present in population databases (gnomAD no frequency). This variant has not been reported in the literature in individuals affected with STAT1-related conditions. Algorithms developed to predict the effect of sequence changes on RNA splicing suggest that this variant may disrupt the consensus splice site. In summary, the available evidence is currently insufficient to determine the role of this variant in disease. Therefore, it has been classified as a Variant of Uncertain Significance.

NM_007315.4(STAT1):c.1143C>T (p.Asn381=)

Gene: STAT1 (signal transducer and activator of transcription 1; minus strand). Cytogenetic location: 2q32.2.
Variant type: single nucleotide variant.
Coding change: c.1143C>T on transcript NM_007315.4 (MANE Select); coding-DNA position 1143, C replaced by T.
Protein change: p.Asn381=; no amino-acid change (asparagine 381 retained).
Molecular consequence: synonymous variant.
Genome position (GRCh38, 1-based): chr2:190,986,932, G>A on the plus strand (C>T on the coding strand, the complement: STAT1 is on the minus strand). VCF-style: chr2-190986932-G-A. GRCh37 (hg19) VCF-style: chr2-191851658-G-A.
Other names: c.1083C>T, p.Asn361= (NM_001384880.1); c.1149C>T, p.Asn383= (NM_001384881.1, NM_001384884.1); c.1137C>T, p.Asn379= (NM_001384882.1); c.1044C>T, p.Asn348= (NM_001384883.1); c.984C>T, p.Asn328= (NM_001384885.1); c.1143C>T, p.Asn381= (NM_001384886.1, NM_001384889.1, NM_139266.3); c.1050C>T, p.Asn350= (NM_001384887.1); c.1113C>T, p.Asn371= (NM_001384888.1); and 2 more.
Identifiers: ClinVar variation 3760239 (VCV003760239.2).